The following is an entry in ClinVar:

NM_002067.5(GNA11):c.879C>T (p.Pro293=)

Gene: GNA11 (G protein subunit alpha 11; plus strand). Cytogenetic location: 19p13.3.
Variant type: single nucleotide variant.
Coding change: c.879C>T on transcript NM_002067.5 (MANE Select); coding-DNA position 879, C replaced by T.
Protein change: p.Pro293=; no amino-acid change (proline 293 retained).
Molecular consequence: synonymous variant.
Genome position (GRCh38, 1-based): chr19:3,119,349, C>T. VCF-style: chr19-3119349-C-T. GRCh37 (hg19) VCF-style: chr19-3119347-C-T.
Identifiers: ClinVar variation 1157809 (VCV001157809.16), dbSNP rs372711795, ClinGen allele CA9075027.

ClinVar aggregate classification (germline): Likely benign. Review status: criteria provided, multiple submitters, no conflicts (2 of 4 stars). 3 submissions from 3 submitters: Likely benign (3). Last evaluated 2026-09-01.

Allele frequency attached by ClinVar (database versions not stated): gnomAD exomes 0.00006 and 0.00009; ExAC 0.00007; ESP Exome Variant Server 0.00008; TOPMed 0.00011; 1000 Genomes Project 30x 0.00016; 1000 Genomes Project 0.00020.
gnomAD v4.1: 139 of 1,613,496 alleles (0.0086%); highest among the groups gnomAD compares: Middle Eastern, 0.017%; no homozygotes.

Submissions (3):

CeGaT Center for Human Genetics Tuebingen
Classification: Likely benign. Last evaluated: 2026-09-01. Review status: criteria provided, single submitter. Criteria: CeGaT Center For Human Genetics Tuebingen Variant Classification Criteria Version 2. Collection method: clinical testing. Allele origin: germline. Affected: yes. Observed: 1 variant allele.
Comment: GNA11: BP4, BP7

Labcorp Genetics (formerly Invitae), Labcorp
Classification: Likely benign. Last evaluated: 2026-02-02. Review status: criteria provided, single submitter. Criteria: Invitae Variant Classification Sherloc (09022015). Collection method: clinical testing. Allele origin: germline.

Center for Genomic Medicine, Rigshospitalet, Copenhagen University Hospital
Classification: Likely benign. Last evaluated: 2025-03-04. Review status: criteria provided, single submitter. Criteria: ACMG Guidelines, 2015. Collection method: clinical testing. Allele origin: germline.